The following is an entry in ClinVar:

NM_001567.4(INPPL1):c.1559A>C (p.Asn520Thr)

Gene: INPPL1 (inositol polyphosphate phosphatase like 1; plus strand). Cytogenetic location: 11q13.4.
Variant type: single nucleotide variant.
Coding change: c.1559A>C on transcript NM_001567.4 (MANE Select); coding-DNA position 1559, A replaced by C.
Protein change: p.Asn520Thr; replaces asparagine 520 with threonine.
Molecular consequence: missense variant.
Genome position (GRCh38, 1-based): chr11:72,231,559, A>C. VCF-style: chr11-72231559-A-C. GRCh37 (hg19) VCF-style: chr11-71942603-A-C.
Other names: short protein forms N520T.
Identifiers: ClinVar variation 2518782 (VCV002518782.3), dbSNP rs749765893, ClinGen allele CA6170075.

ClinVar aggregate classification (germline): Uncertain significance. Review status: criteria provided, multiple submitters, no conflicts (2 of 4 stars). 2 submissions from 2 submitters: Uncertain significance (2). Last evaluated 2025-12-02.

Conditions:
Inborn genetic diseases. Identifiers: MedGen C0950123, MeSH D030342.

Allele frequency attached by ClinVar (database versions not stated): gnomAD exomes 0.00001; TOPMed 0.00002; gnomAD 0.00003; ExAC 0.00005.
gnomAD v4.1: 15 of 1,613,886 alleles (0.00093%); highest among the groups gnomAD compares: Non-Finnish European, 0.0013%; no homozygotes.

Submissions (2):

Labcorp Genetics (formerly Invitae), Labcorp
Classification: Uncertain significance. Last evaluated: 2025-12-02. Review status: criteria provided, single submitter. Criteria: Invitae Variant Classification Sherloc (09022015). Collection method: clinical testing. Allele origin: germline.
Comment: This sequence change replaces asparagine, which is neutral and polar, with threonine, which is neutral and polar, at codon 520 of the INPPL1 protein (p.Asn520Thr). This variant is present in population databases (rs749765893, gnomAD 0.005%). This variant has not been reported in the literature in individuals affected with INPPL1-related conditions. ClinVar contains an entry for this variant (Variation ID: 2518782). An algorithm developed to predict the effect of missense changes on protein structure and function (PolyPhen-2) suggests that this variant is likely to be tolerated. In summary, the available evidence is currently insufficient to determine the role of this variant in disease. Therefore, it has been classified as a Variant of Uncertain Significance.

Ambry Genetics
Classification: Uncertain significance for Inborn genetic diseases. Last evaluated: 2023-04-19. Review status: criteria provided, single submitter. Criteria: Ambry Variant Classification Scheme 2023. Collection method: clinical testing. Allele origin: germline.